The following is an entry in ClinVar:

ClinVar aggregate classification (germline): Uncertain significance (1 of 4 stars; one submission).

Allele frequency attached by ClinVar (database versions not stated): ExAC 0.00029.

Submission:

Labcorp Genetics (formerly Invitae), Labcorp
Classification: Uncertain significance. Last evaluated: 2022-07-05. Review status: criteria provided, single submitter. Criteria: Invitae Variant Classification Sherloc (09022015). Collection method: clinical testing. Allele origin: germline.
Comment: In summary, the available evidence is currently insufficient to determine the role of this variant in disease. Therefore, it has been classified as a Variant of Uncertain Significance. Algorithms developed to predict the effect of missense changes on protein structure and function output the following: SIFT: "Deleterious"; PolyPhen-2: "Benign"; Align-GVGD: "Class C0". The proline amino acid residue is found in multiple mammalian species, which suggests that this missense change does not adversely affect protein function. This variant has not been reported in the literature in individuals affected with IMPG2-related conditions. The frequency data for this variant in the population databases is considered unreliable, as metrics indicate poor data quality at this position in the gnomAD database. This sequence change replaces serine, which is neutral and polar, with proline, which is neutral and non-polar, at codon 443 of the IMPG2 protein (p.Ser443Pro).

NM_016247.4(IMPG2):c.1327T>C (p.Ser443Pro)

Gene: IMPG2 (interphotoreceptor matrix proteoglycan 2; minus strand). Cytogenetic location: 3q12.3.
Variant type: single nucleotide variant.
Coding change: c.1327T>C on transcript NM_016247.4 (MANE Select); coding-DNA position 1327, T replaced by C.
Protein change: p.Ser443Pro; replaces serine 443 with proline.
Molecular consequence: missense variant.
Genome position (GRCh38, 1-based): chr3:101,246,018, A>G on the plus strand (T>C on the coding strand, the complement: IMPG2 is on the minus strand). VCF-style: chr3-101246018-A-G. GRCh37 (hg19) VCF-style: chr3-100964862-A-G.
Other names: short protein forms S443P.
Identifiers: ClinVar variation 2014225 (VCV002014225.4), dbSNP rs757894451, ClinGen allele CA2519192.